The following is an entry in ClinVar:

ClinVar aggregate classification (germline): Uncertain significance (1 of 4 stars; one submission).

Conditions:
Desmin-related myofibrillar myopathy (MFM1). Also called: MYOFIBRILLAR MYOPATHY WITH ARRHYTHMOGENIC RIGHT VENTRICULAR CARDIOMYOPATHY; DESMIN-RELATED MYOPATHY WITH ARRHYTHMOGENIC RIGHT VENTRICULAR CARDIOMYOPATHY; Desminopathy; Desmin related myopathy (former name); Desmin storage myopathy (former name); Myofibrillar myopathy 1. Identifiers: Orphanet 363543, Orphanet 98909, MedGen C1832370, MONDO:0011076, OMIM 601419.

Submission:

Labcorp Genetics (formerly Invitae), Labcorp
Classification: Uncertain significance for Desmin-related myofibrillar myopathy. Last evaluated: 2019-06-02. Review status: criteria provided, single submitter. Criteria: Invitae Variant Classification Sherloc (09022015). Collection method: clinical testing. Allele origin: germline.
Comment: In summary, the available evidence is currently insufficient to determine the role of this variant in disease. Therefore, it has been classified as a Variant of Uncertain Significance. This variant results in a copy number gain of the genomic region encompassing exons 4-9 of the DES gene. The 5' boundary is likely confined to intron 3. The 3' end of this event is unknown as it extends beyond the assayed region for this gene and therefore may encompass additional genes. As the precise location of this event is unknown, it may be in tandem or it may be located elsewhere in the genome. This variant has not been reported in the literature in individuals with DES-related conditions.

NC_000002.12:g.(?_219420485)_(219426000_?)dup

Gene: DES (desmin; plus strand). Cytogenetic location: 2q35.
Variant type: Duplication.
Identifiers: ClinVar variation 833471 (VCV000833471.3).